The following is an entry in ClinVar:

ClinVar aggregate classification (germline): Uncertain significance (1 of 4 stars; one submission).

Conditions:
TARP syndrome (TARPS). Also called: TALIPES EQUINOVARUS, ATRIAL SEPTAL DEFECT, ROBIN SEQUENCE, AND PERSISTENCE OF LEFT SUPERIOR VENA CAVA; PIERRE ROBIN SYNDROME WITH CONGENITAL HEART MALFORMATION AND CLUBFOOT. Identifiers: Orphanet 2886, MedGen C1839463, MONDO:0010711, OMIM 311900.

Allele frequency attached by ClinVar (database versions not stated): TOPMed 0.00002.
gnomAD v4.1: 4 of 1,210,223 alleles (0.00033%); highest among the groups gnomAD compares: African/African-American, 0.0052%; no homozygotes.

Submissions (2):

Baylor Genetics
Classification: Uncertain significance for TARP syndrome. Last evaluated: 2019-11-15. Review status: criteria provided, single submitter. Criteria: ACMG Guidelines, 2015. Collection method: clinical testing. Allele origin: unknown. Affected: yes.
Comment: This variant was determined to be of uncertain significance according to ACMG Guidelines, 2015 [PMID:25741868].

Dr. Peter K. Rogan Lab, Western University
No classification provided (evidence only). Condition: Hepatocellular carcinoma. Review status: no classification provided. Collection method: in vitro. Allele origin: not applicable. Functional consequence: retained intron. Not counted in ClinVar's aggregate classification.

NM_005676.5(RBM10):c.1476G>T (p.Ser492=)

Gene: RBM10 (RNA binding motif protein 10; plus strand). Cytogenetic location: Xp11.3.
Variant type: single nucleotide variant.
Coding change: c.1476G>T on transcript NM_005676.5 (MANE Select); coding-DNA position 1476, G replaced by T.
Protein change: p.Ser492=; no amino-acid change (serine 492 retained).
Molecular consequence: synonymous variant.
Genome position (GRCh38, 1-based): chrX:47,181,547, G>T. VCF-style: chrX-47181547-G-T. GRCh37 (hg19) VCF-style: chrX-47040946-G-T.
Other names: NC_000023.10:g.47040946G>T; c.1245G>T, p.Ser415= (NM_001204466.2); c.1473G>T, p.Ser491= (NM_001204467.2); c.1671G>T, p.Ser557= (NM_001204468.2); c.1242G>T, p.Ser414= (NM_152856.3).
Identifiers: ClinVar variation 1030008 (VCV001030008.2), dbSNP rs138358884, ClinGen allele CA10395287.